The following is an entry in ClinVar:

ClinVar aggregate classification (germline): Pathogenic. Review status: criteria provided, multiple submitters, no conflicts (2 of 4 stars). 2 submissions from 2 submitters: Pathogenic (2). Last evaluated 2024-07-01.

Conditions:
OPA1-related disorder. Also called: OPA1-related disorders; OPA1-related condition.

Submissions (2):

Labcorp Genetics (formerly Invitae), Labcorp
Classification: Pathogenic. Last evaluated: 2024-07-01. Review status: criteria provided, single submitter. Criteria: Invitae Variant Classification Sherloc (09022015). Collection method: clinical testing. Allele origin: germline.
Comment: This sequence change creates a premature translational stop signal (p.Tyr113Thrfs*13) in the OPA1 gene. It is expected to result in an absent or disrupted protein product. Loss-of-function variants in OPA1 are known to be pathogenic (PMID: 11440988, 20157015, 20952381, 25012220). This variant is not present in population databases (gnomAD no frequency). This variant has not been reported in the literature in individuals affected with OPA1-related conditions. ClinVar contains an entry for this variant (Variation ID: 2122943). For these reasons, this variant has been classified as Pathogenic.

PreventionGenetics, part of Exact Sciences
Classification: Pathogenic for OPA1-related condition. Last evaluated: 2023-10-03. Review status: criteria provided, single submitter. Criteria: ACMG Guidelines, 2015. Collection method: clinical testing. Allele origin: germline.
Comment: The OPA1 c.336delC variant is predicted to result in a frameshift and premature protein termination (p.Tyr113Thrfs*13). To our knowledge, this variant has not been reported in the literature or in a large population database, indicating this variant is rare. Frameshift variants in OPA1 are expected to be pathogenic. This variant is interpreted as pathogenic.

Literature cited by the submitters: PubMed 11440988 (cited by Labcorp Genetics (formerly Invitae), Labcorp); PubMed 20157015 (cited by Labcorp Genetics (formerly Invitae), Labcorp); PubMed 20952381 (cited by Labcorp Genetics (formerly Invitae), Labcorp); PubMed 25012220 (cited by Labcorp Genetics (formerly Invitae), Labcorp).

NM_130837.3(OPA1):c.336del (p.Tyr113fs)

Gene: OPA1 (OPA1 mitochondrial dynamin like GTPase; plus strand). Cytogenetic location: 3q29.
Variant type: Deletion.
Coding change: c.336del on transcript NM_130837.3 (MANE Select); coding-DNA position 336, one base deleted (C; older notation c.336delC).
Protein change: p.Tyr113fs; shifts the reading frame from tyrosine 113.
Molecular consequence: frameshift variant. On other transcripts: 5 prime UTR variant (2).
Genome position (GRCh38, 1-based): chr3:193,615,026, C deleted. VCF-style (leftmost placement, unchanged base first): chr3-193615025-GC-G. GRCh37 (hg19) VCF-style: chr3-193332814-GC-G.
Other names: c.-37del (NM_001354663.2, NM_001354664.2); c.336del, p.Tyr113fs (NM_015560.3, NM_130831.3, NM_130832.3 and 4 more transcripts); short protein forms Y113fs.
Identifiers: ClinVar variation 2122943 (VCV002122943.5), dbSNP rs2474578222, ClinGen allele CA2580070564.
Genomic context (GRCh38, chr3:193,615,025, plus strand): 5'-GATTAGCTACGAGACTCTTAAAACTTCGCTATCTCATACTAGGATCGGCTGTTGGGGGTG[GC>G]TACACAGCCAAAAAGGTGAACTTGACATTCCTCCTGGTTTTCCAATTATTATATCATGAT-3'